The following is an entry in ClinVar:

ClinVar aggregate classification (germline): Conflicting classifications of pathogenicity. Review status: criteria provided, conflicting classifications (1 of 4 stars). 3 submissions from 3 submitters: Uncertain significance (1); Likely benign (1). 1 of the submissions does not count toward it. Last evaluated 2025-10-23.

Conditions:
ABCC6-related disorder. Also called: ABCC6-related condition.

Allele frequency attached by ClinVar (database versions not stated): gnomAD exomes 0.00010; ExAC 0.00012; TOPMed 0.00014; ESP Exome Variant Server 0.00015; gnomAD 0.00016.
gnomAD v4.1: 312 of 1,614,008 alleles (0.019%); highest among the groups gnomAD compares: South Asian, 0.057%; no homozygotes.

Submissions (3):

Labcorp Genetics (formerly Invitae), Labcorp
Classification: Likely benign. Last evaluated: 2025-10-23. Review status: criteria provided, single submitter. Criteria: Invitae Variant Classification Sherloc (09022015). Collection method: clinical testing. Allele origin: germline.

CeGaT Center for Human Genetics Tuebingen
Classification: Uncertain significance. Last evaluated: 2022-10-01. Review status: criteria provided, single submitter. Criteria: CeGaT Center For Human Genetics Tuebingen Variant Classification Criteria Version 2. Collection method: clinical testing. Allele origin: germline. Affected: yes. Observed: 1 variant allele.
Comment: ABCC6: PM2:Supporting, BP4

PreventionGenetics, part of Exact Sciences
Classification: Likely benign for ABCC6-related condition. Last evaluated: 2022-06-23. Review status: no assertion criteria provided. Collection method: clinical testing. Allele origin: germline. Not counted in ClinVar's aggregate classification.
Comment: This variant is classified as likely benign based on ACMG/AMP sequence variant interpretation guidelines (Richards et al. 2015 PMID: 25741868, with internal and published modifications).

NM_001171.6(ABCC6):c.1944-8G>A

Gene: ABCC6 (ATP binding cassette subfamily C member 6; minus strand). Cytogenetic location: 16p13.11.
Variant type: single nucleotide variant.
Coding change: c.1944-8G>A on transcript NM_001171.6 (MANE Select); 8 bases into the intron before coding-DNA position 1944, G replaced by A.
Molecular consequence: intron variant.
Genome position (GRCh38, 1-based): chr16:16,182,938, C>T on the plus strand (G>A on the coding strand, the complement: ABCC6 is on the minus strand). VCF-style: chr16-16182938-C-T. GRCh37 (hg19) VCF-style: chr16-16276795-C-T.
Other names: c.1602-8G>A (NM_001351800.1).
Identifiers: ClinVar variation 723186 (VCV000723186.38), dbSNP rs373223582, ClinGen allele CA7926080.